The following is an entry in ClinVar:

ClinVar aggregate classification (germline): Uncertain significance (0 of 4 stars; one submission).

Conditions:
ZMYM3-related disorder. Also called: ZMYM3-related condition.

Submission:

PreventionGenetics, part of Exact Sciences
Classification: Uncertain significance for ZMYM3-related condition. Last evaluated: 2024-04-11. Review status: no assertion criteria provided. Collection method: clinical testing. Allele origin: germline.
Comment: The ZMYM3 c.3112G>A variant is predicted to result in the amino acid substitution p.Gly1038Ser. To our knowledge, this variant has not been reported in the literature or in a large population database, indicating this variant is rare. At this time, the clinical significance of this variant is uncertain due to the absence of conclusive functional and genetic evidence.

NM_201599.3(ZMYM3):c.3112G>A (p.Gly1038Ser)

Gene: ZMYM3 (zinc finger MYM-type containing 3; minus strand). Cytogenetic location: Xq13.1.
Variant type: single nucleotide variant.
Coding change: c.3112G>A on transcript NM_201599.3 (MANE Select); coding-DNA position 3112, G replaced by A.
Protein change: p.Gly1038Ser; replaces glycine 1038 with serine.
Molecular consequence: missense variant.
Genome position (GRCh38, 1-based): chrX:71,244,470, C>T on the plus strand (G>A on the coding strand, the complement: ZMYM3 is on the minus strand). VCF-style: chrX-71244470-C-T. GRCh37 (hg19) VCF-style: chrX-70464320-C-T.
Other names: c.3076G>A, p.Gly1026Ser (NM_001171162.1); c.3112G>A, p.Gly1038Ser (NM_005096.3); short protein forms G1026S, G1038S.
Identifiers: ClinVar variation 3351626 (VCV003351626.1).